The following is an entry in ClinVar:

NM_000302.4(PLOD1):c.607C>T (p.Arg203Cys)

Gene: PLOD1 (procollagen-lysine,2-oxoglutarate 5-dioxygenase 1; plus strand). Cytogenetic location: 1p36.22.
Variant type: single nucleotide variant.
Coding change: c.607C>T on transcript NM_000302.4 (MANE Select); coding-DNA position 607, C replaced by T.
Protein change: p.Arg203Cys; replaces arginine 203 with cysteine.
Molecular consequence: missense variant.
Genome position (GRCh38, 1-based): chr1:11,954,857, C>T. VCF-style: chr1-11954857-C-T. GRCh37 (hg19) VCF-style: chr1-12014914-C-T.
Other names: p.Arg203Cys; c.748C>T, p.Arg250Cys (NM_001316320.2); short protein forms R203C, R250C.
Identifiers: ClinVar variation 1449420 (VCV001449420.15), dbSNP rs534314930, ClinGen allele CA598006.

ClinVar aggregate classification (germline): Uncertain significance. Review status: criteria provided, multiple submitters, no conflicts (2 of 4 stars). 5 submissions from 5 submitters: Uncertain significance (5). Last evaluated 2026-07-01.

Conditions:
PLOD1-related disorder. Also called: PLOD1-related condition.
Familial thoracic aortic aneurysm and aortic dissection (TAAD). Also called: Thoracic aortic aneurysms and dissections. Identifiers: Orphanet 91387, MedGen C4707243, MONDO:0019625.
Ehlers-Danlos syndrome, kyphoscoliotic type 1 (EDSKSCL1). Also called: EHLERS-DANLOS SYNDROME, TYPE VIA; Ehlers-Danlos syndrome, hydroxylysine-deficient; EHLERS-DANLOS SYNDROME, OCULAR-SCOLIOTIC TYPE; PLOD1-Related Kyphoscoliotic Ehlers-Danlos Syndrome. Identifiers: Orphanet 1900, MedGen C0268342, MONDO:0016002, OMIM 225400. Disease mechanism: loss of function.

Allele frequency attached by ClinVar (database versions not stated): gnomAD 0.00001 and 0.00002; gnomAD exomes 0.00001 and 0.00002; ExAC 0.00002; TOPMed 0.00003; 1000 Genomes Project 30x 0.00016; 1000 Genomes Project 0.00020.
gnomAD v4.1: 22 of 1,613,920 alleles (0.0014%); highest among the groups gnomAD compares: Admixed American, 0.0067%; no homozygotes.

Submissions (5):

PreventionGenetics, part of Exact Sciences
Classification: Uncertain significance for PLOD1-related condition. Last evaluated: 2026-07-01. Review status: criteria provided, single submitter. Criteria: ACMG Guidelines, 2015. Collection method: clinical testing. Allele origin: germline.
Comment: The PLOD1 c.607C>T variant is predicted to result in the amino acid substitution p.Arg203Cys. To our knowledge, this variant has not been reported in the literature. This variant is present in 0.0087% of alleles in individuals of Latino descent in gnomAD. At this time, the clinical significance of this variant is uncertain due to the absence of conclusive functional and genetic evidence.

Ambry Genetics
Classification: Uncertain significance for Familial thoracic aortic aneurysm and aortic dissection. Last evaluated: 2025-03-22. Review status: criteria provided, single submitter. Criteria: Ambry Variant Classification Scheme 2023. Collection method: clinical testing. Allele origin: germline.

GeneDx
Classification: Uncertain significance. Last evaluated: 2024-04-23. Review status: criteria provided, single submitter. Criteria: GeneDx Variant Classification Process June 2021. Collection method: clinical testing. Allele origin: germline. Affected: yes.
Comment: Not observed at significant frequency in large population cohorts (gnomAD); In silico analysis supports that this missense variant has a deleterious effect on protein structure/function; Has not been previously published as pathogenic or benign to our knowledge

Mayo Clinic Laboratories, Mayo Clinic
Classification: Uncertain significance. Last evaluated: 2022-11-22. Review status: criteria provided, single submitter. Criteria: ACMG Guidelines, 2015. Collection method: clinical testing. Allele origin: germline. Observed: 1 variant allele.

Labcorp Genetics (formerly Invitae), Labcorp
Classification: Uncertain significance for Ehlers-Danlos syndrome, kyphoscoliotic type 1. Last evaluated: 2022-04-17. Review status: criteria provided, single submitter. Criteria: Invitae Variant Classification Sherloc (09022015). Collection method: clinical testing. Allele origin: germline.
Comment: This sequence change replaces arginine, which is basic and polar, with cysteine, which is neutral and slightly polar, at codon 203 of the PLOD1 protein (p.Arg203Cys). This variant is present in population databases (rs534314930, gnomAD 0.009%). This variant has not been reported in the literature in individuals affected with PLOD1-related conditions. Algorithms developed to predict the effect of missense changes on protein structure and function are either unavailable or do not agree on the potential impact of this missense change (SIFT: "Deleterious"; PolyPhen-2: "Possibly Damaging"; Align-GVGD: "Class C15"). In summary, the available evidence is currently insufficient to determine the role of this variant in disease. Therefore, it has been classified as a Variant of Uncertain Significance.